The following is an entry in ClinVar:

NM_012205.3(HAAO):c.524G>C (p.Arg175Pro)

Gene: HAAO (3-hydroxyanthranilate 3,4-dioxygenase; minus strand). Cytogenetic location: 2p21.
Variant type: single nucleotide variant.
Coding change: c.524G>C on transcript NM_012205.3 (MANE Select); coding-DNA position 524, G replaced by C.
Protein change: p.Arg175Pro; replaces arginine 175 with proline.
Molecular consequence: missense variant.
Genome position (GRCh38, 1-based): chr2:42,769,819, C>G on the plus strand (G>C on the coding strand, the complement: HAAO is on the minus strand). VCF-style: chr2-42769819-C-G. GRCh37 (hg19) VCF-style: chr2-42996959-C-G.
Other names: c.524G>C (NM_012205.2); short protein forms R175P.
Identifiers: ClinVar variation 1707511 (VCV001707511.2), dbSNP rs142300589, ClinGen allele CA1630970.

ClinVar aggregate classification (germline): Uncertain significance. Review status: criteria provided, multiple submitters, no conflicts (2 of 4 stars). 2 submissions from 2 submitters: Uncertain significance (2). Last evaluated 2025-12-02.

Conditions:
Vertebral, cardiac, renal, and limb defects syndrome 1. Also called: 3-HYDROXYANTHRANILIC ACIDEMIA; CONGENITAL NAD DEFICIENCY DISORDER 1. Identifiers: MedGen C4540004, MONDO:0060554, OMIM 617660.

gnomAD v4.1: 55 of 1,613,752 alleles (0.0034%); highest among the groups gnomAD compares: Non-Finnish European, 0.0045%; no homozygotes.

Submissions (2):

Ambry Genetics
Classification: Uncertain significance. Last evaluated: 2025-12-02. Review status: criteria provided, single submitter. Criteria: Ambry Variant Classification Scheme 2023. Collection method: clinical testing. Allele origin: germline.

Institute of Human Genetics, University of Leipzig Medical Center
Classification: Uncertain significance for Vertebral, cardiac, renal, and limb defects syndrome 1. Last evaluated: 2022-07-25. Review status: criteria provided, single submitter. Criteria: ACMG Guidelines, 2015. Collection method: clinical testing. Allele origin: maternal. Affected: yes.
Comment: This variant was identified as compound heterozygous with NM_012205.3:c.431T>C._x000D_ Criteria applied: PM2_SUP